The following is an entry in ClinVar:

ClinVar aggregate classification (germline): Uncertain significance. Review status: criteria provided, multiple submitters, no conflicts (2 of 4 stars). 2 submissions from 2 submitters: Uncertain significance (2). Last evaluated 2024-06-11.

Conditions:
Cardiovascular phenotype. Identifiers: MedGen CN230736.
Cholestanol storage disease (CTX). Also called: Cerebrotendinous Xanthomatosis; CEREBRAL CHOLESTERINOSIS; CTX: Cerebrotendinous xanthomatosis. Identifiers: Orphanet 909, MedGen C0238052, MONDO:0008948, OMIM 213700.

Allele frequency attached by ClinVar (database versions not stated): TOPMed below 0.00001.

Submissions (2):

Ambry Genetics
Classification: Uncertain significance for Cardiovascular phenotype. Last evaluated: 2024-06-11. Review status: criteria provided, single submitter. Criteria: Ambry Variant Classification Scheme 2023. Collection method: clinical testing. Allele origin: germline.
Comment: The p.G415A variant (also known as c.1244G>C), located in coding exon 7 of the CYP27A1 gene, results from a G to C substitution at nucleotide position 1244. The glycine at codon 415 is replaced by alanine, an amino acid with similar properties. This amino acid position is conserved. In addition, the in silico prediction for this alteration is inconclusive. Based on the available evidence, the clinical significance of this variant remains unclear.

Labcorp Genetics (formerly Invitae), Labcorp
Classification: Uncertain significance for Cholestanol storage disease. Last evaluated: 2021-11-23. Review status: criteria provided, single submitter. Criteria: Invitae Variant Classification Sherloc (09022015). Collection method: clinical testing. Allele origin: germline.
Comment: This sequence change replaces glycine, which is neutral and non-polar, with alanine, which is neutral and non-polar, at codon 415 of the CYP27A1 protein (p.Gly415Ala). This variant is present in population databases (no rsID available, gnomAD 0.002%). This variant has not been reported in the literature in individuals affected with CYP27A1-related conditions. Algorithms developed to predict the effect of missense changes on protein structure and function are either unavailable or do not agree on the potential impact of this missense change (SIFT: "Tolerated"; PolyPhen-2: "Probably Damaging"; Align-GVGD: "Class C0"). In summary, the available evidence is currently insufficient to determine the role of this variant in disease. Therefore, it has been classified as a Variant of Uncertain Significance.

NM_000784.4(CYP27A1):c.1244G>C (p.Gly415Ala)

Gene: CYP27A1 (cytochrome P450 family 27 subfamily A member 1; plus strand). Cytogenetic location: 2q35.
Variant type: single nucleotide variant.
Coding change: c.1244G>C on transcript NM_000784.4 (MANE Select); coding-DNA position 1244, G replaced by C.
Protein change: p.Gly415Ala; replaces glycine 415 with alanine.
Molecular consequence: missense variant.
Genome position (GRCh38, 1-based): chr2:218,814,439, G>C. VCF-style: chr2-218814439-G-C. GRCh37 (hg19) VCF-style: chr2-219679162-G-C.
Other names: c.1244G>C (NM_000784.3); short protein forms G415A.
Identifiers: ClinVar variation 1462737 (VCV001462737.4), dbSNP rs755343859, ClinGen allele CA350593394.